The following is an entry in ClinVar:

NM_007194.4(CHEK2):c.1133_1142del (p.Thr378fs)

Gene: CHEK2 (checkpoint kinase 2; minus strand). Cytogenetic location: 22q12.1.
Variant type: Deletion.
Coding change: c.1133_1142del on transcript NM_007194.4 (MANE Select); coding-DNA positions 1133 to 1142, 10 bases deleted (CCTCTCTCAT; older notation c.1133_1142delCCTCTCTCAT).
Protein change: p.Thr378fs; shifts the reading frame from threonine 378.
Molecular consequence: frameshift variant.
Genome position (GRCh38, 1-based): chr22:28,695,827-28,695,836, ATGAGAGAGG deleted on the plus strand (CCTCTCTCAT on the coding strand, the reverse complement: CHEK2 is on the minus strand). VCF-style (leftmost placement, unchanged base first): chr22-28695826-CATGAGAGAGG-C. GRCh37 (hg19) VCF-style: chr22-29091814-CATGAGAGAGG-C.
Other names: c.1262_1271delCCTCTCTCAT, p.Thr421Argfs (NM_001005735.3); c.470_479delCCTCTCTCAT, p.Thr157Argfs (NM_001257387.3); c.932_941delCCTCTCTCAT, p.Thr311Argfs (NM_001349956.3); c.1046_1055delCCTCTCTCAT, p.Thr349Argfs (NM_145862.3); short protein forms T157fs, T311fs, T349fs, T378fs, T421fs.
Identifiers: ClinVar variation 817089 (VCV000817089.3), dbSNP rs1601723175, ClinGen allele CA915952847.

ClinVar aggregate classification (germline): Pathogenic. Review status: criteria provided, multiple submitters, no conflicts (2 of 4 stars). 2 submissions from 2 submitters: Pathogenic (2). Last evaluated 2023-06-28.

Conditions:
Familial cancer of breast. Also called: hereditary breast carcinoma; Hereditary breast cancer; BREAST CANCER, FAMILIAL. Identifiers: Orphanet 227535, MedGen C0346153, MONDO:0016419, OMIM 114480. Disease mechanism: loss of function.

Submissions (2):

Myriad Genetics, Inc.
Classification: Pathogenic for Familial cancer of breast. Last evaluated: 2023-06-28. Review status: criteria provided, single submitter. Criteria: Myriad Autosomal Dominant, Autosomal Recessive and X-Linked Classification Criteria (2023). Collection method: clinical testing. Allele origin: unknown.
Comment: This variant is considered pathogenic. This variant creates a frameshift predicted to result in premature protein truncation.

GeneDx
Classification: Pathogenic. Last evaluated: 2018-05-29. Review status: criteria provided, single submitter. Criteria: GeneDx Variant Classification (06012015). Collection method: clinical testing. Allele origin: germline. Affected: yes.
Comment: This deletion of 10 nucleotides in CHEK2 is denoted c.1133_1142del10 at the cDNA level and p.Thr378ArgfsX33 (T378RfsX33) at the protein level. The surrounding sequence is GAGA[del10]GAGA. The deletion causes a frameshift which changes a Threonine to an Arginine at codon 378, and creates a premature stop codon at position 33 of the new reading frame. Although this variant has not, to our knowledge, been reported in the literature as a germline variant, it is predicted to cause loss of normal protein function through either protein truncation or nonsense-mediated mRNA decay. We consider this variant to be pathogenic.